The following is an entry in ClinVar:

NM_002351.5(SH2D1A):c.385T>G (p.Ter129Gly)

Gene: SH2D1A (SH2 domain containing 1A; plus strand). Cytogenetic location: Xq25.
Variant type: single nucleotide variant.
Coding change: c.385T>G on transcript NM_002351.5 (MANE Select); coding-DNA position 385, T replaced by G.
Protein change: p.Ter129Gly.
Molecular consequence: stop lost.
Genome position (GRCh38, 1-based): chrX:124,371,389, T>G. VCF-style: chrX-124371389-T-G. GRCh37 (hg19) VCF-style: chrX-123505239-T-G.
Other names: c.376T>G, p.Ter126Gly (NM_001114937.3).
Identifiers: ClinVar variation 1471227 (VCV001471227.8), dbSNP rs111033625, ClinGen allele CA414125200.
Genomic context (GRCh38, chrX:124,371,389, plus strand): 5'-GATTTTTGTTATTTTTCTTTAGGGATAAGAGAAGATCCTGATGTCTGCCTGAAAGCCCCA[T>G]GAAGAAAAATAAAACACCTTGTACTTTATTTTCTATAATTTAAATATATGCTAAGTCTTA-3'

ClinVar aggregate classification (germline): Uncertain significance (1 of 4 stars; one submission).

Conditions:
X-linked lymphoproliferative disease due to SH2D1A deficiency (XLP1). Also called: SH2D1A-Related Lymphoproliferative Disease, X-Linked; EBV infection severe susceptibility to; Epstein Barr virus infection familial fatal; Duncan's syndrome; DUNCAN DISEASE; IMMUNODEFICIENCY 5. Identifiers: Orphanet 2442, Orphanet 538931, MedGen C5399825, MONDO:0024551, OMIM 308240.

Submission:

Labcorp Genetics (formerly Invitae), Labcorp
Classification: Uncertain significance for X-linked lymphoproliferative disease due to SH2D1A deficiency. Last evaluated: 2022-07-12. Review status: criteria provided, single submitter. Criteria: Invitae Variant Classification Sherloc (09022015). Collection method: clinical testing. Allele origin: germline.
Comment: In summary, the available evidence is currently insufficient to determine the role of this variant in disease. Therefore, it has been classified as a Variant of Uncertain Significance. This variant results in an extension of the SH2D1A protein. Other variant(s) that result in a similarly extended protein product (p.*129Argext*12) have been observed in individuals with SH2D1A-related disease (PMID: 18055393, 19937601, 21815800, 29604111). This suggests that these extensions may be clinically significant. ClinVar contains an entry for this variant (Variation ID: 1471227). This variant has not been reported in the literature in individuals affected with SH2D1A-related conditions. This variant is not present in population databases (gnomAD no frequency). This sequence change disrupts the translational stop signal of the SH2D1A mRNA. It is expected to extend the length of the SH2D1A protein by 12 additional amino acid residues.

Literature cited by the submitters: PubMed 18055393; PubMed 19937601; PubMed 21815800; PubMed 29604111.